The following is an entry in ClinVar:

NM_001042492.3(NF1):c.6520G>A (p.Ala2174Thr)

Gene: NF1 (neurofibromin 1; plus strand). Cytogenetic location: 17q11.2.
Variant type: single nucleotide variant.
Coding change: c.6520G>A on transcript NM_001042492.3 (MANE Select); coding-DNA position 6520, G replaced by A.
Protein change: p.Ala2174Thr; replaces alanine 2174 with threonine.
Molecular consequence: missense variant.
Genome position (GRCh38, 1-based): chr17:31,337,460, G>A. VCF-style: chr17-31337460-G-A. GRCh37 (hg19) VCF-style: chr17-29664478-G-A.
Other names: c.6457G>A, p.Ala2153Thr (NM_000267.4); short protein forms A2153T, A2174T.
Identifiers: ClinVar variation 850260 (VCV000850260.9), dbSNP rs2069705000, ClinGen allele CA399013192.

ClinVar aggregate classification (germline): Uncertain significance. Review status: criteria provided, multiple submitters, no conflicts (2 of 4 stars). 2 submissions from 2 submitters: Uncertain significance (2). Last evaluated 2020-08-07.

Conditions:
Cardiovascular phenotype. Identifiers: MedGen CN230736.
Hereditary cancer-predisposing syndrome. Also called: Neoplastic Syndromes, Hereditary; Hereditary Cancer Syndrome; Hereditary neoplastic syndrome; Tumor predisposition. Identifiers: Orphanet 140162, MedGen C0027672, MeSH D009386, MONDO:0015356.
Neurofibromatosis, type 1 (NF1). Also called: Neurofibromatosis, type I; VON RECKLINGHAUSEN DISEASE; Peripheral type neurofibromatosis; NEUROFIBROMATOSIS, TYPE I, SOMATIC. Identifiers: Orphanet 636, MedGen C0027831, MONDO:0018975, OMIM 162200. Disease mechanism: loss of function.

Submissions (2):

Labcorp Genetics (formerly Invitae), Labcorp
Classification: Uncertain significance for Neurofibromatosis, type 1. Last evaluated: 2020-08-07. Review status: criteria provided, single submitter. Criteria: Invitae Variant Classification Sherloc (09022015). Collection method: clinical testing. Allele origin: germline.
Comment: In summary, the available evidence is currently insufficient to determine the role of this variant in disease. Therefore, it has been classified as a Variant of Uncertain Significance. Algorithms developed to predict the effect of missense changes on protein structure and function are either unavailable or do not agree on the potential impact of this missense change (SIFT: "Tolerated"; PolyPhen-2: "Probably Damaging"; Align-GVGD: "Class C0"). This variant has not been reported in the literature in individuals with NF1-related conditions. This variant is not present in population databases (ExAC no frequency). This sequence change replaces alanine with threonine at codon 2153 of the NF1 protein (p.Ala2153Thr). The alanine residue is moderately conserved and there is a small physicochemical difference between alanine and threonine.

Ambry Genetics
Classification: Uncertain significance for Cardiovascular phenotype; Hereditary cancer-predisposing syndrome. Last evaluated: 2020-02-27. Review status: criteria provided, single submitter. Criteria: Ambry Variant Classification Scheme 2023. Collection method: clinical testing. Allele origin: germline.
Comment: The p.A2153T variant (also known as c.6457G>A), located in coding exon 42 of the NF1 gene, results from a G to A substitution at nucleotide position 6457. The alanine at codon 2153 is replaced by threonine, an amino acid with similar properties. This amino acid position is highly conserved in available vertebrate species. In addition, the in silico prediction for this alteration is inconclusive. Since supporting evidence is limited at this time, the clinical significance of this alteration remains unclear.